The following is an entry in ClinVar:

ClinVar aggregate classification (germline): Uncertain significance (1 of 4 stars; one submission).

Submission:

Labcorp Genetics (formerly Invitae), Labcorp
Classification: Uncertain significance. Last evaluated: 2023-08-19. Review status: criteria provided, single submitter. Criteria: Invitae Variant Classification Sherloc (09022015). Collection method: clinical testing. Allele origin: unknown.
Comment: This variant results in a copy number gain of the genomic region encompassing exon(s) 1-5 of the TBX20 gene. This region includes the initiator codon of the gene. This copy number gain extends beyond the assayed region for this gene and therefore may encompass additional genes. As the precise location of this event is unknown, it may be in tandem or it may be located elsewhere in the genome. This variant has not been reported in the literature in individuals affected with TBX20-related conditions. In summary, the available evidence is currently insufficient to determine the role of this variant in disease. Therefore, it has been classified as a Variant of Uncertain Significance. Experimental studies and prediction algorithms are not available or were not evaluated, and the functional significance of this variant is currently unknown.

NC_000007.13:g.(?_35280471)_(35293231_?)dup

Gene: TBX20 (T-box transcription factor 20; minus strand). Cytogenetic location: 7p14.2.
Variant type: Duplication.
Identifiers: ClinVar variation 3245862 (VCV003245862.1).